The following is an entry in ClinVar:

ClinVar aggregate classification (germline): Uncertain significance (1 of 4 stars; one submission).

Submission:

GeneDx
Classification: Uncertain significance. Last evaluated: 2024-05-23. Review status: criteria provided, single submitter. Criteria: GeneDx Variant Classification Process June 2021. Collection method: clinical testing. Allele origin: germline.
Comment: Not observed at significant frequency in large population cohorts (gnomAD); In silico analysis supports that this missense variant has a deleterious effect on protein structure/function; Has not been previously published as pathogenic or benign to our knowledge

NM_182641.4(BPTF):c.4801A>G (p.Thr1601Ala)

Gene: BPTF (bromodomain PHD finger transcription factor; plus strand). Cytogenetic location: 17q24.2.
Variant type: single nucleotide variant.
Coding change: c.4801A>G on transcript NM_182641.4 (MANE Select); coding-DNA position 4801, A replaced by G.
Protein change: p.Thr1601Ala; replaces threonine 1601 with alanine.
Molecular consequence: missense variant.
Genome position (GRCh38, 1-based): chr17:67,912,685, A>G. VCF-style: chr17-67912685-A-G. GRCh37 (hg19) VCF-style: chr17-65908801-A-G.
Other names: c.5179A>G, p.Thr1727Ala (NM_004459.7); short protein forms T1601A, T1727A.
Identifiers: ClinVar variation 1702776 (VCV001702776.3), dbSNP rs2146958372, ClinGen allele CA400731076.